The following is an entry in ClinVar:

ClinVar aggregate classification (germline): Uncertain significance (1 of 4 stars; one submission).

Conditions:
Nemaline myopathy 6 (NEM6). Also called: Nemaline myopathy 6, autosomal dominant. Identifiers: Orphanet 171439, MedGen C1836472, MONDO:0012237, OMIM 609273.

gnomAD v4.1: 1 of 1,447,810 alleles (0.000069%); highest among the groups gnomAD compares: Non-Finnish European, 0.000091%; no homozygotes.

Submission:

Labcorp Genetics (formerly Invitae), Labcorp
Classification: Uncertain significance for Nemaline myopathy 6. Last evaluated: 2025-01-28. Review status: criteria provided, single submitter. Criteria: Invitae Variant Classification Sherloc (09022015). Collection method: clinical testing. Allele origin: germline.
Comment: This sequence change affects codon 132 of the KBTBD13 mRNA. It is a 'silent' change, meaning that it does not change the encoded amino acid sequence of the KBTBD13 protein. This variant is not present in population databases (gnomAD no frequency). This variant has not been reported in the literature in individuals affected with KBTBD13-related conditions. In summary, the available evidence is currently insufficient to determine the role of this variant in disease. Therefore, it has been classified as a Variant of Uncertain Significance.

NM_001101362.3(KBTBD13):c.396C>T (p.Gly132=)

Gene: KBTBD13 (kelch repeat and BTB domain containing 13; plus strand). Cytogenetic location: 15q22.31.
Variant type: single nucleotide variant.
Coding change: c.396C>T on transcript NM_001101362.3 (MANE Select); coding-DNA position 396, C replaced by T.
Protein change: p.Gly132=; no amino-acid change (glycine 132 retained).
Molecular consequence: synonymous variant.
Genome position (GRCh38, 1-based): chr15:65,077,211, C>T. VCF-style: chr15-65077211-C-T. GRCh37 (hg19) VCF-style: chr15-65369549-C-T.
Identifiers: ClinVar variation 3713349 (VCV003713349.2).